The following is an entry in ClinVar:

NM_001371928.1(AHDC1):c.4316C>T (p.Ala1439Val)

Gene: AHDC1 (AT-hook DNA binding motif containing 1; minus strand). Cytogenetic location: 1p36.11.
Variant type: single nucleotide variant.
Coding change: c.4316C>T on transcript NM_001371928.1 (MANE Select); coding-DNA position 4316, C replaced by T.
Protein change: p.Ala1439Val; replaces alanine 1439 with valine.
Molecular consequence: missense variant.
Genome position (GRCh38, 1-based): chr1:27,547,800, G>A on the plus strand (C>T on the coding strand, the complement: AHDC1 is on the minus strand). VCF-style: chr1-27547800-G-A. GRCh37 (hg19) VCF-style: chr1-27874311-G-A.
Other names: c.4316C>T, p.Ala1439Val (NM_001029882.3); c.272C>T, p.Ala91Val (NM_015699.1); short protein forms A1439V, A91V.
Identifiers: ClinVar variation 1805508 (VCV001805508.1), dbSNP rs769793074, ClinGen allele CA339222805.
Genomic context (GRCh38, chr1:27,547,800, plus strand): 5'-GGGGAATCGTAGTGGGGCTGGCCCAGCGGCAGGTCCCGGCAGCTCAGGTGGGCCTGGGCT[G>A]CAGCTGCGTGGCCCAGGCTGGCCCCCTGGAGTCCATGCTTGAGGGGCTCGCAGGCAGCCA-3'
Protein context (NP_001358857.1, residues 1429-1449): LQGASLGHAA[Ala1439Val]AQAHLSCRDL

ClinVar aggregate classification (germline): Uncertain significance (1 of 4 stars; one submission).

Conditions:
AHDC1-related intellectual disability - obstructive sleep apnea - mild dysmorphism syndrome. Also called: Xia-Gibbs syndrome. Identifiers: Orphanet 412069, MedGen C4014419, MONDO:0014358, OMIM 615829.

Submission:

Victorian Clinical Genetics Services, Murdoch Childrens Research Institute
Classification: Uncertain significance for AHDC1-related intellectual disability - obstructive sleep apnea - mild dysmorphism syndrome. Last evaluated: 2019-08-28. Review status: criteria provided, single submitter. Criteria: ACMG Guidelines, 2015. Collection method: clinical testing. Allele origin: germline. Inheritance: Autosomal dominant inheritance.
Comment: A heterozygous missense variant was identified, NM_001029882.3(AHDC1):c.4316C>T in exon 6 of 7 of the AHDC1 gene. This substitution is predicted to create a moderate amino acid change from alanine to valine at position 1439 of the protein, NP_001025053.1(AHDC1):p.(Ala1439Val). The alanine at this position has low conservation (100 vertebrates, UCSC), and is not situated in a known functional domain. In silico software predictions of the pathogenicity of this variant are conflicting (Polyphen, SIFT, CADD, Mutation Taster). The variant is not present in the gnomAD population database. Two alternative residue changes at the same location have been reported in the gnomAD database, each at a frequency of 0.0005%. Based on information available at the time of curation, this variant has been classified as a VARIANT of UNCERTAIN SIGNIFICANCE (VUS).